The following is an entry in ClinVar:

NM_005269.3(GLI1):c.576G>A (p.Glu192=)

Gene: GLI1 (GLI family zinc finger 1; plus strand). Cytogenetic location: 12q13.3.
Variant type: single nucleotide variant.
Coding change: c.576G>A on transcript NM_005269.3 (MANE Select); coding-DNA position 576, G replaced by A.
Protein change: p.Glu192=; no amino-acid change (glutamic acid 192 retained).
Molecular consequence: synonymous variant.
Genome position (GRCh38, 1-based): chr12:57,465,648, G>A. VCF-style: chr12-57465648-G-A. GRCh37 (hg19) VCF-style: chr12-57859431-G-A.
Other names: c.192G>A, p.Glu64= (NM_001160045.2); c.453G>A, p.Glu151= (NM_001167609.2).
Identifiers: ClinVar variation 1277191 (VCV001277191.6), dbSNP rs2228225, ClinGen allele CA6648521.

ClinVar aggregate classification (germline): Benign/Likely benign. Review status: criteria provided, multiple submitters, no conflicts (2 of 4 stars). 6 submissions from 5 submitters: Benign (4); Likely benign (1). 1 of the submissions does not count toward it. Last evaluated 2024-11-27.

Conditions:
GLI1-related disorder. Also called: GLI1-related condition.
Polydactyly of a biphalangeal thumb. Also called: Preaxial hand polydactyly; Thumb polydactyly; Polydactyly, preaxial I; FROMONT ANOMALY. Identifiers: Orphanet 93339, MedGen C1395852, MONDO:0008269, OMIM 174400, HP:0001177.
Polydactyly, postaxial, type A8. Identifiers: MedGen C4748277, MONDO:0029130, OMIM 618123.

Allele frequency attached by ClinVar (database versions not stated): 1000 Genomes Project 0.36302; 1000 Genomes Project 30x 0.36368; TOPMed 0.45415; gnomAD 0.47436 and 0.47502; gnomAD exomes 0.49588 and 0.58745; ESP Exome Variant Server 0.49762; ExAC 0.49985.
gnomAD v4.1: 928,275 of 1,613,246 alleles (58%); highest among the groups gnomAD compares: Middle Eastern, 65%; 278,212 homozygotes.

Submissions (6):

Blueprint Genetics
Classification: Likely benign. Last evaluated: 2024-11-27. Review status: criteria provided, single submitter. Criteria: ACMG Guidelines, 2015. Collection method: clinical testing. Allele origin: germline.

Genome-Nilou Lab
Classification: Benign for Polydactyly, postaxial, type A8. Last evaluated: 2021-08-10. Review status: criteria provided, single submitter. Criteria: ACMG Guidelines, 2015. Collection method: clinical testing. Allele origin: germline. Affected: no.

Genome-Nilou Lab
Classification: Benign for Polydactyly of a biphalangeal thumb. Last evaluated: 2021-08-10. Review status: criteria provided, single submitter. Criteria: ACMG Guidelines, 2015. Collection method: clinical testing. Allele origin: germline. Affected: no.

GeneDx
Classification: Benign. Last evaluated: 2019-02-21. Review status: criteria provided, single submitter. Criteria: GeneDx Variant Classification Process June 2021. Collection method: clinical testing. Allele origin: germline. Affected: yes.

Breakthrough Genomics
Classification: Benign. Review status: criteria provided, single submitter. Criteria: ACMG Guidelines, 2015. Collection method: not provided. Allele origin: germline. Inheritance: Autosomal recessive inheritance. Affected: yes.

PreventionGenetics, part of Exact Sciences
Classification: Benign for GLI1-related condition. Last evaluated: 2019-08-30. Review status: no assertion criteria provided. Collection method: clinical testing. Allele origin: germline. Not counted in ClinVar's aggregate classification.
Comment: This variant is classified as benign based on ACMG/AMP sequence variant interpretation guidelines (Richards et al. 2015 PMID: 25741868, with internal and published modifications).